The following is an entry in ClinVar:

ClinVar aggregate classification (germline): Pathogenic/Likely pathogenic. Review status: criteria provided, multiple submitters, no conflicts (2 of 4 stars). 2 submissions from 2 submitters: Pathogenic (1); Likely pathogenic (1). Last evaluated 2022-01-01.

Conditions:
Osteogenesis imperfecta, perinatal lethal (OI2). Also called: Osteogenesis imperfecta type 2; Osteogenesis imperfecta, dominant perinatal lethal; OSTEOGENESIS IMPERFECTA, TYPE II; OI, TYPE II; OSTEOGENESIS IMPERFECTA CONGENITA; VROLIK TYPE OF OSTEOGENESIS IMPERFECTA. Identifiers: Orphanet 216804, MedGen C0268358, MONDO:0008147, OMIM 166210.

Submissions (2):

Department of Maternal-Fetal Biology, National Research Institute for Child Health and Development
Classification: Likely pathogenic for Osteogenesis imperfecta, perinatal lethal. Last evaluated: 2022-01-01. Review status: criteria provided, single submitter. Criteria: ACMG Guidelines, 2015. Collection method: research. Allele origin: de novo. Affected: yes. Observed: 1 variant allele.

GeneDx
Classification: Pathogenic. Last evaluated: 2017-04-11. Review status: criteria provided, single submitter. Criteria: GeneDx Variant Classification (06012015). Collection method: clinical testing. Allele origin: germline. Affected: yes.
Comment: The G964D pathogenic variant has not been published as a pathogenic variant, nor has it been reported as a benign variant to our knowledge. G964D occurs in the triple helical domain and replaces the Glycine in the canonical Gly-X-Y repeat. Variants in these Glycines result in poor winding of the collagen triple helix and a less functional protein. The G964D variant is not observed in large population cohorts (Lek et al., 2016). The G964D variant is a non-conservative amino acid substitution, which is likely to impact secondary protein structure as these residues differ in polarity, charge, size and/or other properties. This substitution occurs at a position that is conserved across species and in silico analysis predicts this variant is probably damaging to the protein structure/function. Missense variants in nearby Glycine residues (G949S, G955S/C/D, G970D) have been reported in the Human Gene Mutation Database in association with osteogenesis imperfecta (Stenson et al., 2014), supporting the functional importance of this region of the protein. Therefore, we interpret this variant to be pathogenic.

NM_000089.4(COL1A2):c.2891G>A (p.Gly964Asp)

Gene: COL1A2 (collagen type I alpha 2 chain; plus strand). Cytogenetic location: 7q21.3.
Variant type: single nucleotide variant.
Coding change: c.2891G>A on transcript NM_000089.4 (MANE Select); coding-DNA position 2891, G replaced by A.
Protein change: p.Gly964Asp; replaces glycine 964 with aspartic acid.
Molecular consequence: missense variant.
Genome position (GRCh38, 1-based): chr7:94,425,805, G>A. VCF-style: chr7-94425805-G-A. GRCh37 (hg19) VCF-style: chr7-94055117-G-A.
Other names: short protein forms G964D.
Identifiers: ClinVar variation 426606 (VCV000426606.4), dbSNP rs1085307707, ClinGen allele CA368224831.